The following is an entry in ClinVar:

NM_001114753.3(ENG):c.199C>T (p.Leu67Phe)

Gene: ENG (endoglin; minus strand). Cytogenetic location: 9q34.11.
Variant type: single nucleotide variant.
Coding change: c.199C>T on transcript NM_001114753.3 (MANE Select); coding-DNA position 199, C replaced by T.
Protein change: p.Leu67Phe; replaces leucine 67 with phenylalanine.
Molecular consequence: missense variant. On other transcripts: 5 prime UTR variant (1).
Genome position (GRCh38, 1-based): chr9:127,843,114, G>A on the plus strand (C>T on the coding strand, the complement: ENG is on the minus strand). VCF-style: chr9-127843114-G-A. GRCh37 (hg19) VCF-style: chr9-130605393-G-A.
Other names: c.199C>T, p.Leu67Phe (NM_000118.4, NM_001406715.1); c.-348C>T (NM_001278138.2); short protein forms L67F.
Identifiers: ClinVar variation 4539944 (VCV004539944.1).
Genomic context (GRCh38, chr9:127,843,114, plus strand): 5'-TCCTCTGAGCCCCCACCCGACCCTGCCATGGGACACTCACCGTTGGGAACTCCAGGAAGA[G>A]GACATGGACTTCAAGGATGGCATTGGGGGCCTGAGCCACGCAGCCCTTCGAGACCTGGCT-3'
Protein context (NP_001108225.1, residues 57-77): APNAILEVHV[Leu67Phe]FLEFPTGPSQ

ClinVar aggregate classification (germline): Uncertain significance (1 of 4 stars; one submission).

gnomAD v4.1: 6 of 1,614,126 alleles (0.00037%); highest among the groups gnomAD compares: Non-Finnish European, 0.00042%; no homozygotes.

Submission:

GeneDx
Classification: Uncertain significance. Last evaluated: 2025-06-29. Review status: criteria provided, single submitter. Criteria: GeneDx Variant Classification Process June 2021. Collection method: clinical testing. Allele origin: germline. Affected: yes.
Comment: Not observed at significant frequency in large population cohorts (gnomAD); In silico analysis supports that this missense variant has a deleterious effect on protein structure/function; Has not been previously published as pathogenic or benign to our knowledge